The following is an entry in ClinVar:

ClinVar aggregate classification (germline): Uncertain significance (1 of 4 stars; one submission).

gnomAD v4.1: 1 of 1,614,104 alleles (0.000062%); no homozygotes.

Submission:

Labcorp Genetics (formerly Invitae), Labcorp
Classification: Uncertain significance. Last evaluated: 2024-07-21. Review status: criteria provided, single submitter. Criteria: Invitae Variant Classification Sherloc (09022015). Collection method: clinical testing. Allele origin: germline.
Comment: This sequence change replaces glutamine, which is neutral and polar, with arginine, which is basic and polar, at codon 986 of the LRP6 protein (p.Gln986Arg). This variant is not present in population databases (gnomAD no frequency). This variant has not been reported in the literature in individuals affected with LRP6-related conditions. Advanced modeling of protein sequence and biophysical properties (such as structural, functional, and spatial information, amino acid conservation, physicochemical variation, residue mobility, and thermodynamic stability) performed at Invitae indicates that this missense variant is not expected to disrupt LRP6 protein function with a negative predictive value of 80%. In summary, the available evidence is currently insufficient to determine the role of this variant in disease. Therefore, it has been classified as a Variant of Uncertain Significance.

NM_002336.3(LRP6):c.2957A>G (p.Gln986Arg)

Gene: LRP6 (LDL receptor related protein 6; minus strand). Cytogenetic location: 12p13.2.
Variant type: single nucleotide variant.
Coding change: c.2957A>G on transcript NM_002336.3 (MANE Select); coding-DNA position 2957, A replaced by G.
Protein change: p.Gln986Arg; replaces glutamine 986 with arginine.
Molecular consequence: missense variant. On other transcripts: non-coding transcript variant (1).
Genome position (GRCh38, 1-based): chr12:12,150,873, T>C on the plus strand (A>G on the coding strand, the complement: LRP6 is on the minus strand). VCF-style: chr12-12150873-T-C. GRCh37 (hg19) VCF-style: chr12-12303807-T-C.
Other names: c.2957A>G, p.Gln986Arg (NM_001414244.1, NM_001414245.1, NM_001414246.1 and 4 more transcripts); c.2759A>G, p.Gln920Arg (NM_001414247.1); c.2504A>G, p.Gln835Arg (NM_001414252.1, NM_001414253.1, NM_001414254.1); c.2450A>G, p.Gln817Arg (NM_001414255.1); short protein forms Q817R, Q835R, Q920R, Q986R.
Identifiers: ClinVar variation 3617557 (VCV003617557.2).